The following is an entry in ClinVar:

NM_001304438.2(TMEM132E):c.1564G>A (p.Asp522Asn)

Gene: TMEM132E (transmembrane protein 132E; plus strand). Cytogenetic location: 17q12.
Variant type: single nucleotide variant.
Coding change: c.1564G>A on transcript NM_001304438.2 (MANE Select); coding-DNA position 1564, G replaced by A.
Protein change: p.Asp522Asn; replaces aspartic acid 522 with asparagine.
Molecular consequence: missense variant.
Genome position (GRCh38, 1-based): chr17:34,632,785, G>A. VCF-style: chr17-34632785-G-A. GRCh37 (hg19) VCF-style: chr17-32959804-G-A.
Other names: NM_207313.1:c.1294G>A; short protein forms D522N.
Identifiers: ClinVar variation 1403655 (VCV001403655.7), dbSNP rs751132995, ClinGen allele CA8496745.

ClinVar aggregate classification (germline): Uncertain significance. Review status: criteria provided, multiple submitters, no conflicts (2 of 4 stars). 2 submissions from 2 submitters: Uncertain significance (2). Last evaluated 2024-12-31.

Allele frequency attached by ClinVar (database versions not stated): ExAC 0.00008; gnomAD 0.00003.
gnomAD v4.1: 41 of 1,614,072 alleles (0.0025%); highest among the groups gnomAD compares: Admixed American, 0.025%; no homozygotes.

Submissions (2):

Ambry Genetics
Classification: Uncertain significance. Last evaluated: 2024-12-31. Review status: criteria provided, single submitter. Criteria: Ambry Variant Classification Scheme 2023. Collection method: clinical testing. Allele origin: germline.

Labcorp Genetics (formerly Invitae), Labcorp
Classification: Uncertain significance. Last evaluated: 2022-08-16. Review status: criteria provided, single submitter. Criteria: Invitae Variant Classification Sherloc (09022015). Collection method: clinical testing. Allele origin: germline.
Comment: In summary, the available evidence is currently insufficient to determine the role of this variant in disease. Therefore, it has been classified as a Variant of Uncertain Significance. Algorithms developed to predict the effect of missense changes on protein structure and function are either unavailable or do not agree on the potential impact of this missense change (SIFT: "Tolerated"; PolyPhen-2: "Not Available"; Align-GVGD: "Class C0"). ClinVar contains an entry for this variant (Variation ID: 1403655). This variant has not been reported in the literature in individuals affected with TMEM132E-related conditions. This variant is present in population databases (rs751132995, gnomAD 0.02%). This sequence change replaces aspartic acid, which is acidic and polar, with asparagine, which is neutral and polar, at codon 522 of the TMEM132E protein (p.Asp522Asn).